The following is an entry in ClinVar:

ClinVar aggregate classification (germline): Uncertain significance. Review status: criteria provided, multiple submitters, no conflicts (2 of 4 stars). 2 submissions from 2 submitters: Uncertain significance (2). Last evaluated 2026-04-15.

Conditions:
Nemaline myopathy. Also called: Myopathies, Nemaline. Identifiers: Orphanet 607, MedGen C0206157, MONDO:0018958.
Nemaline myopathy 2 (NEM2). Also called: Nemaline myopathy 2, autosomal recessive. Identifiers: MedGen C1850569, MONDO:0009725, OMIM 256030.

gnomAD v4.1: 1 of 1,550,644 alleles (0.000064%); highest among the groups gnomAD compares: Non-Finnish European, 0.000088%; no homozygotes.

Submissions (2):

Myriad Genetics, Inc.
Classification: Uncertain significance for Nemaline myopathy 2. Last evaluated: 2026-04-15. Review status: criteria provided, single submitter. Criteria: Myriad Autosomal Dominant, Autosomal Recessive and X-Linked Classification Criteria (2023). Collection method: clinical testing. Allele origin: unknown.
Comment: NM_001271208.1(NEB):c.3879+5G>T is an intronic variant classified as a variant of uncertain significance in the context of NEB-related nemaline myopathy. c.3879+5G>T has been observed in a case with relevant disease (PMID: 25205138_Lehtokari_2014). Relevant functional assessments of this variant are not available in the literature. c.3879+5G>T has not been observed in referenced population frequency databases. In summary, there is insufficient evidence to classify NM_001271208.1(NEB):c.3879+5G>T as pathogenic or benign. Please note: this variant was assessed in the context of healthy population screening.

Broad Center for Mendelian Genomics, Broad Institute of MIT and Harvard
Classification: Uncertain significance for Nemaline myopathy. Last evaluated: 2025-03-18. Review status: criteria provided, single submitter. Criteria: ACMG Guidelines, 2015. Collection method: curation. Allele origin: germline. Inheritance: Autosomal recessive inheritance.
Comment: The c.3879+5G>T variant in NEB has been been reported, in the compound heterozygous state, in 1 individual with nemaline myopathy (PMID: 25205138), and has been identified in 0.00009% (1/1134594) of European (non-Finnish) chromosomes by the Genome Aggregation Database (gnomAD). Although this variant has been seen in the general population in a heterozygous state, its frequency is low enough to be consistent with a recessive carrier frequency. Computational prediction tools and conservation analyses suggest that this variant may impact the protein, though this information is not predictive enough to determine pathogenicity. Loss of function of the NEB gene is an established disease mechanism in autosomal recessive nemaline myopathy. Two additional pathogenic/likely pathogenic variants, predicted to induce the same splicing effect as this variant, have been reported in ClinVar as being associated with nemaline myopathy, supporting that the c.3879+5G>T variant may be pathogenic (Variation ID: 845647, 554705). In summary, while there is some suspicion for a pathogenic role, the clinical significance of this variant is uncertain. ACMG/AMP Criteria applied: PS1_moderate, PP3, PM2_supporting (Richards 2015).

NM_001164508.2(NEB):c.3879+5G>T

Gene: NEB (nebulin; minus strand). Cytogenetic location: 2q23.3.
Variant type: single nucleotide variant.
Coding change: c.3879+5G>T on transcript NM_001164508.2 (MANE Select); 5 bases into the intron after coding-DNA position 3879, G replaced by T.
Molecular consequence: intron variant.
Genome position (GRCh38, 1-based): chr2:151,675,282, C>A on the plus strand (G>T on the coding strand, the complement: NEB is on the minus strand). VCF-style: chr2-151675282-C-A. GRCh37 (hg19) VCF-style: chr2-152531796-C-A.
Other names: NM_001164508.2:c.3879+5G>T; c.3879+5G>T (NM_004543.5, NM_001164507.2, NM_001271208.2).
Identifiers: ClinVar variation 3776989 (VCV003776989.2).